The following is an entry in ClinVar:

ClinVar aggregate classification (germline): Uncertain significance (1 of 4 stars; one submission).

Conditions:
Tietz syndrome (TADS). Also called: HYPOPIGMENTATION/DEAFNESS OF TIETZ; TIETZ ALBINISM-DEAFNESS SYNDROME; ALBINISM-DEAFNESS OF TIETZ. Identifiers: Orphanet 42665, MedGen C0391816, MONDO:0007077, OMIM 103500.
Waardenburg syndrome type 2A (WS2A). Also called: WAARDENBURG SYNDROME WITHOUT DYSTOPIA CANTHORUM. Identifiers: Orphanet 3440, MedGen C1860339, MONDO:0008671, OMIM 193510.
Melanoma, cutaneous malignant, susceptibility to, 8. Also called: MELANOMA AND RENAL CELL CARCINOMA, SUSCEPTIBILITY TO; Cutaneous malignant melanoma 8. Identifiers: Orphanet 293822, MedGen C3152204, MONDO:0013759, OMIM 614456.

gnomAD v4.1: 1 of 1,613,388 alleles (0.000062%); highest among the groups gnomAD compares: Non-Finnish European, 0.000085%; no homozygotes.

Submission:

Labcorp Genetics (formerly Invitae), Labcorp
Classification: Uncertain significance for Melanoma, cutaneous malignant, susceptibility to, 8; Waardenburg syndrome type 2A; Tietz syndrome. Last evaluated: 2025-12-01. Review status: criteria provided, single submitter. Criteria: Invitae Variant Classification Sherloc (09022015). Collection method: clinical testing. Allele origin: germline.
Comment: This sequence change replaces glutamic acid, which is acidic and polar, with glycine, which is neutral and non-polar, at codon 133 of the MITF protein (p.Glu133Gly). This variant is present in population databases (no rsID available, gnomAD 0.003%). This variant has not been reported in the literature in individuals affected with MITF-related conditions. ClinVar contains an entry for this variant (Variation ID: 3751331). Invitae Evidence Modeling of protein sequence and biophysical properties (such as structural, functional, and spatial information, amino acid conservation, physicochemical variation, residue mobility, and thermodynamic stability) indicates that this missense variant is not expected to disrupt MITF protein function with a negative predictive value of 80%. In summary, the available evidence is currently insufficient to determine the role of this variant in disease. Therefore, it has been classified as a Variant of Uncertain Significance.

NM_001354604.2(MITF):c.719A>G (p.Glu240Gly)

Gene: MITF (melanocyte inducing transcription factor; plus strand). Cytogenetic location: 3p13.
Variant type: single nucleotide variant.
Coding change: c.719A>G on transcript NM_001354604.2 (MANE Select); coding-DNA position 719, A replaced by G.
Protein change: p.Glu240Gly; replaces glutamic acid 240 with glycine.
Molecular consequence: missense variant.
Genome position (GRCh38, 1-based): chr3:69,941,288, A>G. VCF-style: chr3-69941288-A-G. GRCh37 (hg19) VCF-style: chr3-69990439-A-G.
Other names: c.398A>G, p.Glu133Gly (NM_000248.4, NM_198158.3); c.563A>G, p.Glu188Gly (NM_001184967.2, NM_001354608.2); c.716A>G, p.Glu239Gly (NM_001354605.2, NM_001354606.2, NM_006722.3); c.668A>G, p.Glu223Gly (NM_001354607.2); c.719A>G, p.Glu240Gly (NM_198159.3); c.671A>G, p.Glu224Gly (NM_198177.3); c.230A>G, p.Glu77Gly (NM_198178.3); short protein forms E133G, E188G, E223G, E224G, E239G, E240G, E77G.
Identifiers: ClinVar variation 3751331 (VCV003751331.2).
Genomic context (GRCh38, chr3:69,941,288, plus strand): 5'-TCCTACAGATGGATGATGTAATCGATGACATCATTAGCCTAGAATCAAGTTATAATGAGG[A>G]AATCTTGGGCTTGATGGATCCTGCTTTGCAAATGGCAAATACGGTATTGATAACCTTTTT-3'
Protein context (NP_001341533.1, residues 230-250): IISLESSYNE[Glu240Gly]ILGLMDPALQ